The following is an entry in ClinVar:

NM_005060.4(RORC):c.370C>G (p.Gln124Glu)

Gene: RORC (RAR related orphan receptor C; minus strand). Cytogenetic location: 1q21.3.
Variant type: single nucleotide variant.
Coding change: c.370C>G on transcript NM_005060.4 (MANE Select); coding-DNA position 370, C replaced by G.
Protein change: p.Gln124Glu; replaces glutamine 124 with glutamic acid.
Molecular consequence: missense variant.
Genome position (GRCh38, 1-based): chr1:151,815,354, G>C on the plus strand (C>G on the coding strand, the complement: RORC is on the minus strand). VCF-style: chr1-151815354-G-C. GRCh37 (hg19) VCF-style: chr1-151787830-G-C.
Other names: c.307C>G, p.Gln103Glu (NM_001001523.2); short protein forms Q103E, Q124E.
Identifiers: ClinVar variation 2155663 (VCV002155663.2), dbSNP rs1651718528, ClinGen allele CA342017408.

ClinVar aggregate classification (germline): Uncertain significance (1 of 4 stars; one submission).

Conditions:
Autosomal recessive mendelian susceptibility to mycobacterial diseases due to complete RORgamma receptor deficiency. Also called: Immunodeficiency 42. Identifiers: Orphanet 477857, MedGen C5567647, MONDO:0014710, OMIM 616622.

Allele frequency attached by ClinVar (database versions not stated): gnomAD exomes below 0.00001; TOPMed below 0.00001.
gnomAD v4.1: 1 of 1,582,534 alleles (0.000063%); highest among the groups gnomAD compares: Admixed American, 0.0018%; no homozygotes.

Submission:

Labcorp Genetics (formerly Invitae), Labcorp
Classification: Uncertain significance for Autosomal recessive mendelian susceptibility to mycobacterial diseases due to complete RORgamma receptor deficiency. Last evaluated: 2023-02-23. Review status: criteria provided, single submitter. Criteria: Invitae Variant Classification Sherloc (09022015). Collection method: clinical testing. Allele origin: germline.
Comment: This sequence change replaces glutamine, which is neutral and polar, with glutamic acid, which is acidic and polar, at codon 124 of the RORC protein (p.Gln124Glu). This variant is not present in population databases (gnomAD no frequency). This variant has not been reported in the literature in individuals affected with RORC-related conditions. An algorithm developed to predict the effect of missense changes on protein structure and function (PolyPhen-2) suggests that this variant¬† is likely to be tolerated. In summary, the available evidence is currently insufficient to determine the role of this variant in disease. Therefore, it has been classified as a Variant of Uncertain Significance.